The following is an entry in ClinVar:

NM_003673.4(TCAP):c.126GGA[1] (p.Glu43del)

Gene: TCAP (titin-cap; plus strand). Cytogenetic location: 17q12.
Variant type: Microsatellite.
Coding change: c.126GGA[1] on transcript NM_003673.4 (MANE Select); one copy of the 3-base unit GGA starting at c.126; the reference has two copies in a row; one copy, 3 bases deleted.
Protein change: p.Glu43del; deletes glutamic acid 43.
Molecular consequence: inframe deletion.
Genome position (GRCh38, 1-based): chr17:39,665,734-39,665,736, GGA deleted; deleting any 3 consecutive bases within chr17:39,665,729-39,665,736 gives the same sequence; the position shown is the placement nearest the transcript's 3' end. VCF-style (leftmost placement, unchanged base first): chr17-39665728-TGAG-T. GRCh37 (hg19) VCF-style: chr17-37821981-TGAG-T.
Other names: c.129_131delGGA (NM_003673.3); short protein forms E43del.
Identifiers: ClinVar variation 652487 (VCV000652487.12), dbSNP rs1221886757, ClinGen allele CA626209138.

ClinVar aggregate classification (germline): Uncertain significance. Review status: criteria provided, multiple submitters, no conflicts (2 of 4 stars). 3 submissions from 3 submitters: Uncertain significance (3). Last evaluated 2025-08-17.

Conditions:
Cardiovascular phenotype. Identifiers: MedGen CN230736.
Primary familial hypertrophic cardiomyopathy (HCM). Identifiers: Orphanet 99739, MedGen C0949658, MeSH D024741, MONDO:0024573. Inheritance: Various modes of inheritance.
Hypertrophic cardiomyopathy 25 (CMH25). Also called: CARDIOMYOPATHY, FAMILIAL HYPERTROPHIC, 25. Identifiers: MedGen C4225408, MONDO:0011843, OMIM 607487.

Submissions (3):

Labcorp Genetics (formerly Invitae), Labcorp
Classification: Uncertain significance for Hypertrophic cardiomyopathy 25; Primary familial hypertrophic cardiomyopathy. Last evaluated: 2025-08-17. Review status: criteria provided, single submitter. Criteria: Invitae Variant Classification Sherloc (09022015). Collection method: clinical testing. Allele origin: germline.
Comment: This variant, c.129_131del, results in the deletion of 1 amino acid(s) of the TCAP protein (p.Glu43del), but otherwise preserves the integrity of the reading frame. This variant is present in population databases (no rsID available, gnomAD 0.003%). This variant has not been reported in the literature in individuals affected with TCAP-related conditions. Experimental studies and prediction algorithms are not available or were not evaluated, and the functional significance of this variant is currently unknown. In summary, the available evidence is currently insufficient to determine the role of this variant in disease. Therefore, it has been classified as a Variant of Uncertain Significance.

Ambry Genetics
Classification: Uncertain significance for Cardiovascular phenotype. Last evaluated: 2022-06-22. Review status: criteria provided, single submitter. Criteria: Ambry Variant Classification Scheme 2023. Collection method: clinical testing. Allele origin: germline.
Comment: The c.129_131delGGA variant (also known as p.E43del) is located in coding exon 2 of the TCAP gene. This variant results from an in-frame GGA deletion at nucleotide positions 129 to 131. This results in the in-frame deletion of a glutamic acid at codon 43. This amino acid position is not well conserved in available vertebrate species. In addition, this alteration is predicted to be deleterious by in silico analysis (Choi Y et al. PLoS ONE. 2012; 7(10):e46688). Since supporting evidence is limited at this time, the clinical significance of this alteration remains unclear.

Agnes Ginges Centre for Molecular Cardiology, Centenary Institute
Classification: Uncertain significance for Hypertrophic cardiomyopathy 25. Last evaluated: 2018-10-16. Review status: criteria provided, single submitter. Criteria: ACMG Guidelines, 2015. Collection method: research. Allele origin: germline. Inheritance: Autosomal dominant inheritance. Affected: yes.
Comment: TCAP Glu43del has not been previously reported but is present in the Genome Aggregation Database (AF= 0.000008). Based on this limited information we classify this a variant of 'uncertain significance'.